The following is an entry in ClinVar:

NM_001291415.2(KDM6A):c.4148G>A (p.Cys1383Tyr)

Gene: KDM6A (lysine demethylase 6A; plus strand). Cytogenetic location: Xp11.3.
Variant type: single nucleotide variant.
Coding change: c.4148G>A on transcript NM_001291415.2 (MANE Select); coding-DNA position 4148, G replaced by A.
Protein change: p.Cys1383Tyr; replaces cysteine 1383 with tyrosine.
Molecular consequence: missense variant. On other transcripts: non-coding transcript variant (1).
Genome position (GRCh38, 1-based): chrX:45,107,523, G>A. VCF-style: chrX-45107523-G-A. GRCh37 (hg19) VCF-style: chrX-44966768-G-A.
Other names: c.4013G>A, p.Cys1338Tyr (NM_001291416.2); c.3857G>A, p.Cys1286Tyr (NM_001291417.2); c.3890G>A, p.Cys1297Tyr (NM_001410742.1); c.3992G>A, p.Cys1331Tyr (NM_021140.4); c.3104G>A, p.Cys1035Tyr (NM_001291421.2); c.3755G>A, p.Cys1252Tyr (NM_001291418.2); short protein forms C1035Y, C1252Y, C1286Y, C1297Y, C1331Y, C1338Y, C1383Y.
Identifiers: ClinVar variation 1718255 (VCV001718255.5), dbSNP rs2148289888, ClinGen allele CA412775558.
Genomic context (GRCh38, chrX:45,107,523, plus strand): 5'-TTGCTGCAGGAAAAGAGATTATATGGCATGGGCGGACAAAAGAAGAACCAGCTCATTACT[G>A]TAGCATTTGTGAAGTAAGTAATTGTTTTTATCCACAGTTGTTTTATAAAGCCTCTTCCCT-3'
Protein context (NP_001278344.1, residues 1373-1393): GRTKEEPAHY[Cys1383Tyr]SICEVEVFDL

ClinVar aggregate classification (germline): Uncertain significance (1 of 4 stars; one submission).

Conditions:
Kabuki syndrome 2 (KABUK2). Also called: KDM6A-Related Kabuki Syndrome. Identifiers: Orphanet 2322, MedGen C3275495, MONDO:0010465, OMIM 300867.

Submission:

Labcorp Genetics (formerly Invitae), Labcorp
Classification: Uncertain significance for Kabuki syndrome 2. Last evaluated: 2022-08-28. Review status: criteria provided, single submitter. Criteria: Invitae Variant Classification Sherloc (09022015). Collection method: clinical testing. Allele origin: germline.
Comment: This variant has not been reported in the literature in individuals affected with KDM6A-related conditions. This variant is not present in population databases (gnomAD no frequency). This sequence change replaces cysteine, which is neutral and slightly polar, with tyrosine, which is neutral and polar, at codon 1331 of the KDM6A protein (p.Cys1331Tyr). Algorithms developed to predict the effect of missense changes on protein structure and function (SIFT, PolyPhen-2, Align-GVGD) all suggest that this variant is likely to be disruptive. In summary, the available evidence is currently insufficient to determine the role of this variant in disease. Therefore, it has been classified as a Variant of Uncertain Significance.